The following is an entry in ClinVar:

ClinVar aggregate classification (germline): Uncertain significance (1 of 4 stars; one submission).

Conditions:
Congenital disorder of deglycosylation (CDDG). Identifiers: MedGen C3808991, MONDO:0031376.

Submission:

Labcorp Genetics (formerly Invitae), Labcorp
Classification: Uncertain significance for Congenital disorder of deglycosylation. Last evaluated: 2023-08-10. Review status: criteria provided, single submitter. Criteria: Invitae Variant Classification Sherloc (09022015). Collection method: clinical testing. Allele origin: germline.
Comment: In summary, the available evidence is currently insufficient to determine the role of this variant in disease. Therefore, it has been classified as a Variant of Uncertain Significance. Variants that disrupt the consensus splice site are a relatively common cause of aberrant splicing (PMID: 17576681, 9536098). Algorithms developed to predict the effect of sequence changes on RNA splicing suggest that this variant is not likely to affect RNA splicing. ClinVar contains an entry for this variant (Variation ID: 1497493). This variant has not been reported in the literature in individuals affected with NGLY1-related conditions. This variant is not present in population databases (gnomAD no frequency). This sequence change falls in intron 9 of the NGLY1 gene. It does not directly change the encoded amino acid sequence of the NGLY1 protein. It affects a nucleotide within the consensus splice site.

Literature cited by the submitters: PubMed 17576681; PubMed 9536098.

NM_018297.4(NGLY1):c.1425+6del

Gene: NGLY1 (N-glycanase 1; minus strand). Cytogenetic location: 3p24.2.
Variant type: Deletion.
Coding change: c.1425+6del on transcript NM_018297.4 (MANE Select); 6 bases into the intron after coding-DNA position 1425, one base deleted (T; older notation c.1425+6delT).
Molecular consequence: intron variant.
Genome position (GRCh38, 1-based): chr3:25,732,313, A deleted on the plus strand (T on the coding strand, the reverse complement: NGLY1 is on the minus strand); the first of 3 consecutive A bases (chr3:25,732,313-25,732,315); deleting any one gives the same sequence. VCF-style (leftmost placement, unchanged base first): chr3-25732312-TA-T. GRCh37 (hg19) VCF-style: chr3-25773803-TA-T.
Other names: c.1299+6del (NM_001145294.2); c.1425+6del (NM_001145295.2); c.1371+6del (NM_001145293.2).
Identifiers: ClinVar variation 1497493 (VCV001497493.6), dbSNP rs2125465821, ClinGen allele CA2573136253.